The following is an entry in ClinVar:

NM_001384140.1(PCDH15):c.2924del (p.Pro975fs)

Gene: PCDH15 (protocadherin related 15; minus strand). Cytogenetic location: 10q21.1.
Variant type: Deletion.
Coding change: c.2924del on transcript NM_001384140.1 (MANE Select); coding-DNA position 2924, one base deleted (C; older notation c.2924delC).
Protein change: p.Pro975fs; shifts the reading frame from proline 975.
Molecular consequence: frameshift variant.
Genome position (GRCh38, 1-based): chr10:53,961,837, G deleted on the plus strand (C on the coding strand, the reverse complement: PCDH15 is on the minus strand); the first of 3 consecutive G bases (chr10:53,961,837-53,961,839); deleting any one gives the same sequence. VCF-style (leftmost placement, unchanged base first): chr10-53961836-AG-A. GRCh37 (hg19) VCF-style: chr10-55721596-AG-A.
Other names: c.2939del, p.Pro980fs (NM_001142763.2, NM_001142771.2); c.2924del, p.Pro975fs (NM_001142764.2, NM_001142766.2, NM_001142770.3 and 4 more transcripts); c.2711del, p.Pro904fs (NM_001142765.2); c.2813del, p.Pro938fs (NM_001142767.2); c.2858del, p.Pro953fs (NM_001142768.2, NM_001142773.2, NM_001354404.2); c.2958delC, p.Pro987Leufs (NM_001142769.4); c.2945del, p.Pro982fs (NM_001354411.2); short protein forms P938fs, P980fs, P904fs, P975fs, P987fs, P953fs, P982fs.
Identifiers: ClinVar variation 2735949 (VCV002735949.3), dbSNP rs765384642, ClinGen allele CA5505876.

ClinVar aggregate classification (germline): Pathogenic (1 of 4 stars; one submission).

Submission:

Labcorp Genetics (formerly Invitae), Labcorp
Classification: Pathogenic. Last evaluated: 2023-05-27. Review status: criteria provided, single submitter. Criteria: Invitae Variant Classification Sherloc (09022015). Collection method: clinical testing. Allele origin: germline.
Comment: For these reasons, this variant has been classified as Pathogenic. This variant has not been reported in the literature in individuals affected with PCDH15-related conditions. This variant is present in population databases (rs765384642, gnomAD 0.003%). This sequence change creates a premature translational stop signal (p.Pro975Leufs*14) in the PCDH15 gene. It is expected to result in an absent or disrupted protein product. Loss-of-function variants in PCDH15 are known to be pathogenic (PMID: 11398101, 11487575, 14570705).

Literature cited by the submitters: PubMed 11398101; PubMed 11487575; PubMed 14570705.